The following is an entry in ClinVar:

NM_002439.5(MSH3):c.1375G>C (p.Asp459His)

Gene: MSH3 (mutS homolog 3; plus strand). Cytogenetic location: 5q14.1.
Variant type: single nucleotide variant.
Coding change: c.1375G>C on transcript NM_002439.5 (MANE Select); coding-DNA position 1375, G replaced by C.
Protein change: p.Asp459His; replaces aspartic acid 459 with histidine.
Molecular consequence: missense variant.
Genome position (GRCh38, 1-based): chr5:80,725,487, G>C. VCF-style: chr5-80725487-G-C. GRCh37 (hg19) VCF-style: chr5-80021306-G-C.
Other names: short protein forms D459H.
Identifiers: ClinVar variation 1517763 (VCV001517763.9), dbSNP rs2112855446, ClinGen allele CA360273421.
Genomic context (GRCh38, chr5:80,725,487, plus strand): 5'-TTTGAAATTTTCCTTTTTTCTTTCAGTGTGCAGGATGACAGAATTCGAGTCGAAAGGATG[G>C]ATAACATTTATTTTGAATACAGCCATGCTTTCCAGGCAGTTACAGAGTTTTATGCAAAAG-3'
Protein context (NP_002430.3, residues 449-469): QDDRIRVERM[Asp459His]NIYFEYSHAF

ClinVar aggregate classification (germline): Uncertain significance. Review status: criteria provided, multiple submitters, no conflicts (2 of 4 stars). 2 submissions from 2 submitters: Uncertain significance (2). Last evaluated 2025-12-15.

Conditions:
Hereditary cancer-predisposing syndrome. Also called: Tumor predisposition; Neoplastic Syndromes, Hereditary; Hereditary neoplastic syndrome; Hereditary Cancer Syndrome. Identifiers: Orphanet 140162, MedGen C0027672, MeSH D009386, MONDO:0015356.

Submissions (2):

Labcorp Genetics (formerly Invitae), Labcorp
Classification: Uncertain significance. Last evaluated: 2025-12-15. Review status: criteria provided, single submitter. Criteria: Invitae Variant Classification Sherloc (09022015). Collection method: clinical testing. Allele origin: germline.
Comment: This sequence change replaces aspartic acid, which is acidic and polar, with histidine, which is basic and polar, at codon 459 of the MSH3 protein (p.Asp459His). This variant is not present in population databases (gnomAD no frequency). This variant has not been reported in the literature in individuals affected with MSH3-related conditions. ClinVar contains an entry for this variant (Variation ID: 1517763). An algorithm developed to predict the effect of missense changes on protein structure and function (PolyPhen-2) suggests that this variant is likely to be disruptive. In summary, the available evidence is currently insufficient to determine the role of this variant in disease. Therefore, it has been classified as a Variant of Uncertain Significance.

Ambry Genetics
Classification: Uncertain significance for Hereditary cancer-predisposing syndrome. Last evaluated: 2025-05-26. Review status: criteria provided, single submitter. Criteria: Ambry Variant Classification Scheme 2023. Collection method: clinical testing. Allele origin: germline.
Comment: The p.D459H variant (also known as c.1375G>C), located in coding exon 9 of the MSH3 gene, results from a G to C substitution at nucleotide position 1375. The aspartic acid at codon 459 is replaced by histidine, an amino acid with similar properties. This amino acid position is conserved. In addition, this alteration is predicted to be tolerated by in silico analysis. Since supporting evidence is limited at this time, the clinical significance of this alteration remains unclear.